The following is an entry in ClinVar:

NM_003737.4(DCHS1):c.9250C>T (p.Pro3084Ser)

Gene: DCHS1 (dachsous cadherin-related 1; minus strand). Cytogenetic location: 11p15.4.
Variant type: single nucleotide variant.
Coding change: c.9250C>T on transcript NM_003737.4 (MANE Select); coding-DNA position 9250, C replaced by T.
Protein change: p.Pro3084Ser; replaces proline 3084 with serine.
Molecular consequence: missense variant.
Genome position (GRCh38, 1-based): chr11:6,622,426, G>A on the plus strand (C>T on the coding strand, the complement: DCHS1 is on the minus strand). VCF-style: chr11-6622426-G-A. GRCh37 (hg19) VCF-style: chr11-6643657-G-A.
Other names: c.9250C>T (NM_003737.2); short protein forms P3084S.
Identifiers: ClinVar variation 2200006 (VCV002200006.6), dbSNP rs754464929, ClinGen allele CA5859295.

ClinVar aggregate classification (germline): Uncertain significance. Review status: criteria provided, multiple submitters, no conflicts (2 of 4 stars). 2 submissions from 2 submitters: Uncertain significance (2). Last evaluated 2025-12-15.

Conditions:
Inborn genetic diseases. Identifiers: MedGen C0950123, MeSH D030342.

Allele frequency attached by ClinVar (database versions not stated): gnomAD 0.00001; TOPMed 0.00001; ExAC 0.00004.

Submissions (2):

Labcorp Genetics (formerly Invitae), Labcorp
Classification: Uncertain significance. Last evaluated: 2025-12-15. Review status: criteria provided, single submitter. Criteria: Invitae Variant Classification Sherloc (09022015). Collection method: clinical testing. Allele origin: germline.
Comment: This sequence change replaces proline, which is neutral and non-polar, with serine, which is neutral and polar, at codon 3084 of the DCHS1 protein (p.Pro3084Ser). This variant is present in population databases (rs754464929, gnomAD 0.005%). This variant has not been reported in the literature in individuals affected with DCHS1-related conditions. ClinVar contains an entry for this variant (Variation ID: 2200006). Invitae Evidence Modeling of protein sequence and biophysical properties (such as structural, functional, and spatial information, amino acid conservation, physicochemical variation, residue mobility, and thermodynamic stability) indicates that this missense variant is not expected to disrupt DCHS1 protein function with a negative predictive value of 80%. In summary, the available evidence is currently insufficient to determine the role of this variant in disease. Therefore, it has been classified as a Variant of Uncertain Significance.

Ambry Genetics
Classification: Uncertain significance for Inborn genetic diseases. Last evaluated: 2025-11-07. Review status: criteria provided, single submitter. Criteria: Ambry Variant Classification Scheme 2023. Collection method: clinical testing. Allele origin: germline.